The following is an entry in ClinVar:

NM_000321.3(RB1):c.951_954del (p.Ser318fs)

Gene: RB1 (RB transcriptional corepressor 1; plus strand). Cytogenetic location: 13q14.2.
Variant type: Deletion.
Coding change: c.951_954del on transcript NM_000321.3 (MANE Select); coding-DNA positions 951 to 954, 4 bases deleted (TTCT; older notation c.951_954delTTCT).
Protein change: p.Ser318fs; shifts the reading frame from serine 318.
Molecular consequence: frameshift variant.
Genome position (GRCh38, 1-based): chr13:48,367,505-48,367,508, TTCT deleted; deleting any 4 consecutive bases within chr13:48,367,502-48,367,508 gives the same sequence; the c. name uses the placement nearest the transcript's 3' end. VCF-style (leftmost placement, unchanged base first): chr13-48367501-ATCTT-A. GRCh37 (hg19) VCF-style: chr13-48941637-ATCTT-A.
Other names: c.951_954delTTCT (NM_000321.2); short protein forms S318fs.
Identifiers: ClinVar variation 566571 (VCV000566571.9), dbSNP rs1566194323, ClinGen allele CA645578641.

ClinVar aggregate classification (germline): Pathogenic. Review status: criteria provided, multiple submitters, no conflicts (2 of 4 stars). 2 submissions from 2 submitters: Pathogenic (2). Last evaluated 2024-05-20.

Conditions:
Retinoblastoma (RB1). Also called: RETINOBLASTOMA, SOMATIC. Identifiers: Orphanet 790, MedGen C0035335, MeSH D012175, MONDO:0008380, OMIM 180200, HP:0009919. Disease mechanism: loss of function. Inheritance: Both sporadic and heritable forms are tested..

Submissions (2):

Genetic Diagnostic Laboratory, University of Pennsylvania School of Medicine
Classification: Pathogenic for Retinoblastoma. Last evaluated: 2024-05-20. Review status: criteria provided, single submitter. Criteria: ACMG Guidelines, 2015. Collection method: clinical testing. Allele origin: germline. Affected: yes. Observed: 1 variant allele.
Comment: Case and Pedigree Information: BILATERAL CASES:1, UNILATERAL CASES:0, TOTAL CASES:1, PEDIGREES:1. ACMG Codes Applied:PVS1, PM2

Labcorp Genetics (formerly Invitae), Labcorp
Classification: Pathogenic for Retinoblastoma. Last evaluated: 2018-06-13. Review status: criteria provided, single submitter. Criteria: Invitae Variant Classification Sherloc (09022015). Collection method: clinical testing. Allele origin: germline.
Comment: For these reasons, this variant has been classified as Pathogenic. This variant is not present in population databases (ExAC no frequency). This variant has been reported as a somatic finding in individuals affected with unilateral retinoblastoma (PMID: 28575107, Leiden Open-source Variation Database (PMID: 21520333)). This variant is also know as c.948_951delTCTT in the literature. This sequence change creates a premature translational stop signal (p.Ser318Asnfs*13) in the RB1 gene. It is expected to result in an absent or disrupted protein product. Loss-of-function variants in RB1 are known to be pathogenic (PMID: 17096365).

Literature cited by the submitters: PubMed 28575107 (cited by Labcorp Genetics (formerly Invitae), Labcorp); PubMed 21520333 (cited by Labcorp Genetics (formerly Invitae), Labcorp); PubMed 17096365 (cited by Labcorp Genetics (formerly Invitae), Labcorp).